The following is an entry in ClinVar:

ClinVar aggregate classification (germline): Uncertain significance (1 of 4 stars; one submission).

Conditions:
Cystic fibrosis (CF). Also called: MUCOVISCIDOSIS. Identifiers: Orphanet 586, MedGen C0010674, MONDO:0009061, OMIM 219700. Disease mechanism: loss of function.

Submission:

Ambry Genetics
Classification: Uncertain significance for Cystic fibrosis. Last evaluated: 2026-07-18. Review status: criteria provided, single submitter. Criteria: Ambry Variant Classification Scheme 2023. Collection method: clinical testing. Allele origin: germline.
Comment: The p.R1259G variant (also known as c.3775A>G), located in coding exon 23 of the CFTR gene, results from an A to G substitution at nucleotide position 3775. The arginine at codon 1259 is replaced by glycine, an amino acid with dissimilar properties. This amino acid position is conserved. In addition, this alteration is predicted to be deleterious by in silico analysis. Based on the available evidence, the clinical significance of this variant remains unclear.

NM_000492.4(CFTR):c.3775A>G (p.Arg1259Gly)

Genes: CFTR (CF transmembrane conductance regulator; plus strand), CFTR-AS2 (CFTR antisense RNA 2; minus strand). Cytogenetic location: 7q31.2.
Variant type: single nucleotide variant.
Coding change: c.3775A>G on transcript NM_000492.4 (MANE Select); coding-DNA position 3775, A replaced by G.
Protein change: p.Arg1259Gly; replaces arginine 1259 with glycine.
Molecular consequence: missense variant.
Genome position (GRCh38, 1-based): chr7:117,642,495, A>G. VCF-style: chr7-117642495-A-G. GRCh37 (hg19) VCF-style: chr7-117282549-A-G.
Other names: short protein forms R1259G.
Identifiers: ClinVar variation 5034442 (VCV005034442.1).